The following is an entry in ClinVar:

NM_001142800.2(EYS):c.4304A>G (p.Asp1435Gly)

Gene: EYS (EGF-like photoreceptor maintenance factor; minus strand). Cytogenetic location: 6q12.
Variant type: single nucleotide variant.
Coding change: c.4304A>G on transcript NM_001142800.2 (MANE Select); coding-DNA position 4304, A replaced by G.
Protein change: p.Asp1435Gly; replaces aspartic acid 1435 with glycine.
Molecular consequence: missense variant.
Genome position (GRCh38, 1-based): chr6:64,591,563, T>C on the plus strand (A>G on the coding strand, the complement: EYS is on the minus strand). VCF-style: chr6-64591563-T-C. GRCh37 (hg19) VCF-style: chr6-65301456-T-C.
Other names: c.4304A>G (NM_001142800.1); c.4304A>G, p.Asp1435Gly (NM_001292009.2); short protein forms D1435G.
Identifiers: ClinVar variation 1448768 (VCV001448768.9), dbSNP rs2149832253, ClinGen allele CA364783612.

ClinVar aggregate classification (germline): Uncertain significance. Review status: criteria provided, multiple submitters, no conflicts (2 of 4 stars). 2 submissions from 2 submitters: Uncertain significance (2). Last evaluated 2025-12-04.

Conditions:
Inborn genetic diseases. Identifiers: MedGen C0950123, MeSH D030342.

Submissions (2):

Ambry Genetics
Classification: Uncertain significance for Inborn genetic diseases. Last evaluated: 2025-12-04. Review status: criteria provided, single submitter. Criteria: Ambry Variant Classification Scheme 2023. Collection method: clinical testing. Allele origin: germline.

Labcorp Genetics (formerly Invitae), Labcorp
Classification: Uncertain significance. Last evaluated: 2022-03-10. Review status: criteria provided, single submitter. Criteria: Invitae Variant Classification Sherloc (09022015). Collection method: clinical testing. Allele origin: germline.
Comment: In summary, the available evidence is currently insufficient to determine the role of this variant in disease. Therefore, it has been classified as a Variant of Uncertain Significance. Algorithms developed to predict the effect of sequence changes on RNA splicing suggest that this variant may create or strengthen a splice site. Algorithms developed to predict the effect of missense changes on protein structure and function output the following: SIFT: "Tolerated"; PolyPhen-2: "Benign"; Align-GVGD: "Class C0". The glycine amino acid residue is found in multiple mammalian species, which suggests that this missense change does not adversely affect protein function. This variant has not been reported in the literature in individuals affected with EYS-related conditions. This variant is not present in population databases (gnomAD no frequency). This sequence change replaces aspartic acid, which is acidic and polar, with glycine, which is neutral and non-polar, at codon 1435 of the EYS protein (p.Asp1435Gly).